The following is an entry in ClinVar:

ClinVar aggregate classification (germline): Uncertain significance. Review status: criteria provided, multiple submitters, no conflicts (2 of 4 stars). 2 submissions from 2 submitters: Uncertain significance (2). Last evaluated 2025-07-13.

Conditions:
Combined immunodeficiency due to DOCK8 deficiency (HIES2). Also called: Hyper-IgE recurrent infection syndrome, autosomal recessive; HIES autosomal recessive; HYPER-IgE SYNDROME 2, AUTOSOMAL RECESSIVE, WITH RECURRENT INFECTIONS; HYPER-IgE RECURRENT INFECTION SYNDROME 2, AUTOSOMAL RECESSIVE; DOCK8 Deficiency. Identifiers: Orphanet 217390, MedGen C4722305, MONDO:0009478, OMIM 243700.

Allele frequency attached by ClinVar (database versions not stated): gnomAD 0.00001; gnomAD exomes 0.00001; TOPMed 0.00001; ExAC 0.00002; 1000 Genomes Project 0.00040; 1000 Genomes Project 30x 0.00062.
gnomAD v4.1: 6 of 1,614,156 alleles (0.00037%); highest among the groups gnomAD compares: East Asian, 0.0089%; no homozygotes.

Submissions (2):

Labcorp Genetics (formerly Invitae), Labcorp
Classification: Uncertain significance for Combined immunodeficiency due to DOCK8 deficiency. Last evaluated: 2025-07-13. Review status: criteria provided, single submitter. Criteria: Invitae Variant Classification Sherloc (09022015). Collection method: clinical testing. Allele origin: germline.
Comment: This sequence change replaces leucine, which is neutral and non-polar, with valine, which is neutral and non-polar, at codon 307 of the DOCK8 protein (p.Leu307Val). This variant is present in population databases (rs560133135, gnomAD 0.01%). This variant has not been reported in the literature in individuals affected with DOCK8-related conditions. ClinVar contains an entry for this variant (Variation ID: 916363). Invitae Evidence Modeling of protein sequence and biophysical properties (such as structural, functional, and spatial information, amino acid conservation, physicochemical variation, residue mobility, and thermodynamic stability) indicates that this missense variant is not expected to disrupt DOCK8 protein function with a negative predictive value of 80%. In summary, the available evidence is currently insufficient to determine the role of this variant in disease. Therefore, it has been classified as a Variant of Uncertain Significance.

CeGaT Center for Human Genetics Tuebingen
Classification: Uncertain significance. Last evaluated: 2020-03-01. Review status: criteria provided, single submitter. Criteria: CeGaT Center For Human Genetics Tuebingen Variant Classification Criteria Version 2. Collection method: clinical testing. Allele origin: germline. Affected: yes. Observed: 1 variant allele.

NM_203447.4(DOCK8):c.919C>G (p.Leu307Val)

Gene: DOCK8 (dedicator of cytokinesis 8; plus strand). Cytogenetic location: 9p24.3.
Variant type: single nucleotide variant.
Coding change: c.919C>G on transcript NM_203447.4 (MANE Select); coding-DNA position 919, C replaced by G.
Protein change: p.Leu307Val; replaces leucine 307 with valine.
Molecular consequence: missense variant.
Genome position (GRCh38, 1-based): chr9:328,046, C>G. VCF-style: chr9-328046-C-G. GRCh37 (hg19) VCF-style: chr9-328046-C-G.
Other names: c.715C>G, p.Leu239Val (NM_001190458.2, NM_001193536.2); short protein forms L307V, L239V.
Identifiers: ClinVar variation 916363 (VCV000916363.42), dbSNP rs560133135, ClinGen allele CA4957532.
Genomic context (GRCh38, chr9:328,046, plus strand): 5'-GTCTAACTTATATTTCACTTTGCTGCTCATTTACAGATCTCAGAAAATTTTCACTGTGAC[C>G]TGAACTCTGACCAGTTCAAAGGATTTCTGCGAGCTCACACGCCTTCAGTGGCCGCATCAA-3'
Protein context (NP_982272.2, residues 297-317): KKISENFHCD[Leu307Val]NSDQFKGFLR